The following is an entry in ClinVar:

NM_000238.4(KCNH2):c.1686C>G (p.His562Gln)

Gene: KCNH2 (potassium voltage-gated channel subfamily H member 2; minus strand). Cytogenetic location: 7q36.1.
Variant type: single nucleotide variant.
Coding change: c.1686C>G on transcript NM_000238.4 (MANE Select); coding-DNA position 1686, C replaced by G.
Protein change: p.His562Gln; replaces histidine 562 with glutamine.
Molecular consequence: missense variant.
Genome position (GRCh38, 1-based): chr7:150,951,707, G>C on the plus strand (C>G on the coding strand, the complement: KCNH2 is on the minus strand). VCF-style: chr7-150951707-G-C. GRCh37 (hg19) VCF-style: chr7-150648795-G-C.
Other names: c.666C>G, p.His222Gln (NM_001204798.2, NM_172057.3); c.1398C>G, p.His466Gln (NM_001406753.1, NM_001406756.1); c.1509C>G, p.His503Gln (NM_001406755.1); c.1386C>G, p.His462Gln (NM_001406757.1); c.1686C>G, p.His562Gln (NM_172056.3); short protein forms H222Q, H562Q, H462Q, H466Q, H503Q.
Identifiers: ClinVar variation 379052 (VCV000379052.5), dbSNP rs1057520477, ClinGen allele CA16605170.
Genomic context (GRCh38, chr7:150,951,707, plus strand): 5'-GCGTGAGTCCATGTGTGGCTGCTCCATGTTGCCGATGGCGTACCAGATGCAGGCTAGCCA[G>C]TGCGCGATGAGCGCAAAGGTGCACATGAGCAAGAACAGCACGGCCGCGCCGTACTCTGAG-3'
Protein context (NP_000229.1, residues 552-572): LLMCTFALIA[His562Gln]WLACIWYAIG

ClinVar aggregate classification (germline): Conflicting classifications of pathogenicity. Review status: criteria provided, conflicting classifications (1 of 4 stars). 2 submissions from 2 submitters: Likely pathogenic (1); Uncertain significance (1). Last evaluated 2026-01-11.

Conditions:
Long QT syndrome (LQTS). Identifiers: MedGen C0023976, MeSH D008133, MONDO:0002442. Disease mechanism: loss of function. Inheritance: Various modes of inheritance.

Submissions (2):

Labcorp Genetics (formerly Invitae), Labcorp
Classification: Uncertain significance for Long QT syndrome. Last evaluated: 2026-01-11. Review status: criteria provided, single submitter. Criteria: Invitae Variant Classification Sherloc (09022015). Collection method: clinical testing. Allele origin: germline.
Comment: This sequence change replaces histidine, which is basic and polar, with glutamine, which is neutral and polar, at codon 562 of the KCNH2 protein (p.His562Gln). This variant is not present in population databases (gnomAD no frequency). This variant has not been reported in the literature in individuals affected with KCNH2-related conditions. ClinVar contains an entry for this variant (Variation ID: 379052). An algorithm developed to predict the effect of missense changes on protein structure and function (PolyPhen-2) suggests that this variant is likely to be disruptive. Experimental studies have shown that this missense change affects KCNH2 function (PMID: 19413965). This variant disrupts the p.His562 amino acid residue in KCNH2. Other variant(s) that disrupt this residue have been determined to be pathogenic (PMID: 15242738; internal data). This suggests that this residue is clinically significant, and that variants that disrupt this residue are likely to be disease-causing. In summary, the available evidence is currently insufficient to determine the role of this variant in disease. Therefore, it has been classified as a Variant of Uncertain Significance.

GeneDx
Classification: Likely pathogenic. Last evaluated: 2016-10-21. Review status: criteria provided, single submitter. Criteria: GeneDx Variant Classification (06012015). Collection method: clinical testing. Allele origin: germline. Affected: yes.
Comment: A novel H562Q variant that is likely pathogenic was identified in the KCNH2 gene. This variant hasnot been published as a pathogenic variant, nor has it been reported as a benign variant to ourknowledge. The H562Q variant was not observed in approximately 6,500 individuals of European andAfrican American ancestry in the NHLBI Exome Sequencing Project, indicating it is not a commonbenign variant in these populations. The H562Q variant is a semi-conservative amino acidsubstitution, which may impact secondary protein structure as these residues differ in some properties.This substitution occurs at a position that is conserved across species, and in silico analysis predictsthis variant is probably damaging to the protein structure/function. In addition, simulations byLees-Miller et al. (2009) demonstrated that the H562 residue, located within the trans-membranehelix of segment S5, connects the S5 helix to the pore helix, which stabilizes the pore domain andplays an important role in the structure/function of the potassium channel. Variants affecting theH562 residue are thought to lead to a disruption of the hydrogen bonding to amino acids within thepore helix, resulting in distortion of the selectivity filter (Lees-Miller et al., 2009). Furthermore,missense variants in nearby residues (A558E, A561P, A561T, A561V) and different missense variantsat the same residue (H562P, H562R) have been reported in the Human Gene Mutation Database inassociation with LQTS (Stenson et al., 2014), supporting the functional importance of this residue andregion of the protein.Therefore, this variant is likely pathogenic. In order to definitively determine its clinical significance,additional data is required.

Literature cited by the submitters: PubMed 19413965 (cited by Labcorp Genetics (formerly Invitae), Labcorp); PubMed 15242738 (cited by Labcorp Genetics (formerly Invitae), Labcorp).